The following is an entry in ClinVar:

ClinVar aggregate classification (germline): Uncertain significance (1 of 4 stars; one submission).

Conditions:
Ullrich congenital muscular dystrophy 2 (UCMD2). Identifiers: Orphanet 75840, MedGen C4225314, MONDO:0014654, OMIM 616470.
Bethlem myopathy 2 (BTHLM2). Identifiers: Orphanet 536516, Orphanet 610, MedGen C4225313, MONDO:0034022, OMIM 616471.

Allele frequency attached by ClinVar (database versions not stated): TOPMed 0.00003; gnomAD 0.00001; ESP Exome Variant Server 0.00008.
gnomAD v4.1: 2 of 1,614,024 alleles (0.00012%); highest among the groups gnomAD compares: Non-Finnish European, 0.00017%; no homozygotes.

Submission:

Labcorp Genetics (formerly Invitae), Labcorp
Classification: Uncertain significance for Bethlem myopathy 2; Ullrich congenital muscular dystrophy 2. Last evaluated: 2025-06-08. Review status: criteria provided, single submitter. Criteria: Invitae Variant Classification Sherloc (09022015). Collection method: clinical testing. Allele origin: germline.
Comment: This sequence change affects codon 752 of the COL12A1 mRNA. It is a 'silent' change, meaning that it does not change the encoded amino acid sequence of the COL12A1 protein. This variant is not present in population databases (gnomAD no frequency). This variant has not been reported in the literature in individuals affected with COL12A1-related conditions. ClinVar contains an entry for this variant (Variation ID: 1019504). Algorithms developed to predict the effect of sequence changes on RNA splicing suggest that this variant may create or strengthen a splice site. In summary, the available evidence is currently insufficient to determine the role of this variant in disease. Therefore, it has been classified as a Variant of Uncertain Significance.

NM_004370.6(COL12A1):c.2256A>G (p.Arg752=)

Gene: COL12A1 (collagen type XII alpha 1 chain; minus strand). Cytogenetic location: 6q13.
Variant type: single nucleotide variant.
Coding change: c.2256A>G on transcript NM_004370.6 (MANE Select); coding-DNA position 2256, A replaced by G.
Protein change: p.Arg752=; no amino-acid change (arginine 752 retained).
Molecular consequence: synonymous variant. On other transcripts: intron variant (1).
Genome position (GRCh38, 1-based): chr6:75,177,844, T>C on the plus strand (A>G on the coding strand, the complement: COL12A1 is on the minus strand). VCF-style: chr6-75177844-T-C. GRCh37 (hg19) VCF-style: chr6-75887560-T-C.
Other names: c.73+24876A>G (NM_080645.3).
Identifiers: ClinVar variation 1019504 (VCV001019504.9), dbSNP rs370677855, ClinGen allele CA141025152.
Genomic context (GRCh38, chr6:75,177,844, plus strand): 5'-GGGTGGGGTGGTAACTTCTCTGCTCTCTCCACCAGCAACTGGTCTATATATAATTCGATA[T>C]CTTAAAACTCTCCCTGGAGCTTGAGTCCAAGTAATTTTGAAACTATCTGTAGTCTCATCT-3'
Protein context (NP_004361.3, residues 742-762): TWTQAPGRVL[Arg752=]YRIIYRPVAG